The following is an entry in ClinVar:

ClinVar aggregate classification (germline): Uncertain significance (1 of 4 stars; one submission).

Conditions:
Rhabdoid tumor predisposition syndrome 2 (RTPS2). Identifiers: Orphanet 231108, Orphanet 69077, MedGen C2750074, MONDO:0013224, OMIM 613325.

Submission:

Labcorp Genetics (formerly Invitae), Labcorp
Classification: Uncertain significance for Rhabdoid tumor predisposition syndrome 2. Last evaluated: 2018-08-27. Review status: criteria provided, single submitter. Criteria: Invitae Variant Classification Sherloc (09022015). Collection method: clinical testing. Allele origin: germline.
Comment: In summary, the available evidence is currently insufficient to determine the role of this variant in disease. Therefore, it has been classified as a Variant of Uncertain Significance. Algorithms developed to predict the effect of missense changes on protein structure and function are either unavailable or do not agree on the potential impact of this missense change (SIFT: "Deleterious"; PolyPhen-2: "Probably Damaging"; Align-GVGD: "Class C15"). This variant has not been reported in the literature in individuals with SMARCA4-related disease. This variant is not present in population databases (ExAC no frequency). This sequence change replaces alanine with valine at codon 1216 of the SMARCA4 protein (p.Ala1216Val). The alanine residue is highly conserved and there is a small physicochemical difference between alanine and valine.

NM_003072.5(SMARCA4):c.3647C>T (p.Ala1216Val)

Gene: SMARCA4 (SWI/SNF related BAF chromatin remodeling complex subunit ATPase 4; plus strand). Cytogenetic location: 19p13.2.
Variant type: single nucleotide variant.
Coding change: c.3647C>T on transcript NM_003072.5 (MANE Select); coding-DNA position 3647, C replaced by T.
Protein change: p.Ala1216Val; replaces alanine 1216 with valine.
Molecular consequence: missense variant. On other transcripts: non-coding transcript variant (1).
Genome position (GRCh38, 1-based): chr19:11,033,390, C>T. VCF-style: chr19-11033390-C-T. GRCh37 (hg19) VCF-style: chr19-11144066-C-T.
Other names: c.3647C>T, p.Ala1216Val (NM_001128844.3, NM_001128845.2, NM_001128846.2 and 5 more transcripts); short protein forms A1216V.
Identifiers: ClinVar variation 661645 (VCV000661645.8), dbSNP rs1600389938, ClinGen allele CA404065585.
Genomic context (GRCh38, chr19:11,033,390, plus strand): 5'-AGAACGAGGTGCGTGTGCTCCGCCTCTGCACCGTCAACAGCGTGGAGGAGAAGATCCTAG[C>T]TGCAGCCAAGTACAAGCTCAACGTGGACCAGAAGGTGATCCAGGCCGGCATGTTCGACCA-3'
Protein context (NP_003063.2, residues 1206-1226): TVNSVEEKIL[Ala1216Val]AAKYKLNVDQ